The following is an entry in ClinVar:

NM_002386.4(MC1R):c.416C>G (p.Ala139Gly)

Gene: MC1R (melanocortin 1 receptor; plus strand). Cytogenetic location: 16q24.3.
Variant type: single nucleotide variant.
Coding change: c.416C>G on transcript NM_002386.4 (MANE Select); coding-DNA position 416, C replaced by G.
Protein change: p.Ala139Gly; replaces alanine 139 with glycine.
Molecular consequence: missense variant.
Genome position (GRCh38, 1-based): chr16:89,919,674, C>G. VCF-style: chr16-89919674-C-G. GRCh37 (hg19) VCF-style: chr16-89986082-C-G.
Other names: short protein forms A139G.
Identifiers: ClinVar variation 648748 (VCV000648748.8), dbSNP rs1217897117, ClinGen allele CA397460667.

ClinVar aggregate classification (germline): Uncertain significance (1 of 4 stars; one submission).

Conditions:
Melanoma, cutaneous malignant, susceptibility to, 5. Also called: Cutaneous malignant melanoma 5. Identifiers: Orphanet 618, MedGen C2751295, MONDO:0013133, OMIM 613099.

Submission:

Labcorp Genetics (formerly Invitae), Labcorp
Classification: Uncertain significance for Melanoma, cutaneous malignant, susceptibility to, 5. Last evaluated: 2018-12-26. Review status: criteria provided, single submitter. Criteria: Invitae Variant Classification Sherloc (09022015). Collection method: clinical testing. Allele origin: germline.
Comment: In summary, the available evidence is currently insufficient to determine the role of this variant in disease. Therefore, it has been classified as a Variant of Uncertain Significance. This sequence change replaces alanine with glycine at codon 139 of the MC1R protein (p.Ala139Gly). The alanine residue is highly conserved and there is a small physicochemical difference between alanine and glycine. This variant is not present in population databases (ExAC no frequency). This variant has not been reported in the literature in individuals with MC1R-related conditions. Algorithms developed to predict the effect of missense changes on protein structure and function (SIFT, PolyPhen-2, Align-GVGD) all suggest that this variant is likely to be disruptive, but these predictions have not been confirmed by published functional studies and their clinical significance is uncertain.